The following is an entry in ClinVar:

ClinVar aggregate classification (germline): Uncertain significance (1 of 4 stars; one submission).

Conditions:
Generalized epilepsy-paroxysmal dyskinesia syndrome (PNKD3). Also called: Generalized epilepsy and paroxysmal dyskinesia; Paroxysmal nonkinesigenic dyskinesia, 3, with or without generalized epilepsy. Identifiers: Orphanet 79137, MedGen C5574945, MONDO:0012276, OMIM 609446.

Submission:

Labcorp Genetics (formerly Invitae), Labcorp
Classification: Uncertain significance for Generalized epilepsy-paroxysmal dyskinesia syndrome. Last evaluated: 2022-10-18. Review status: criteria provided, single submitter. Criteria: Invitae Variant Classification Sherloc (09022015). Collection method: clinical testing. Allele origin: germline.
Comment: This variant is not present in population databases (gnomAD no frequency). This sequence change replaces methionine, which is neutral and non-polar, with valine, which is neutral and non-polar, at codon 989 of the KCNMA1 protein (p.Met989Val). This variant has not been reported in the literature in individuals affected with KCNMA1-related conditions. Advanced modeling of protein sequence and biophysical properties (such as structural, functional, and spatial information, amino acid conservation, physicochemical variation, residue mobility, and thermodynamic stability) performed at Invitae indicates that this missense variant is not expected to disrupt KCNMA1 protein function. In summary, the available evidence is currently insufficient to determine the role of this variant in disease. Therefore, it has been classified as a Variant of Uncertain Significance.

NM_001161352.2(KCNMA1):c.3139A>G (p.Met1047Val)

Genes: KCNMA1-AS1 (KCNMA1 antisense RNA 1; plus strand), KCNMA1 (potassium calcium-activated channel subfamily M alpha 1; minus strand). Cytogenetic location: 10q22.3.
Variant type: single nucleotide variant.
Coding change: c.3139A>G on transcript NM_001161352.2 (MANE Select); coding-DNA position 3139, A replaced by G.
Protein change: p.Met1047Val; replaces methionine 1047 with valine.
Molecular consequence: missense variant.
Genome position (GRCh38, 1-based): chr10:76,909,974, T>C on the plus strand (A>G on the coding strand, the complement: KCNMA1 is on the minus strand). VCF-style: chr10-76909974-T-C. GRCh37 (hg19) VCF-style: chr10-78669732-T-C.
Other names: c.2977A>G, p.Met993Val (NM_001014797.3); c.3088A>G, p.Met1030Val (NM_001161353.2); c.2815A>G, p.Met939Val (NM_001271518.2); c.3055A>G, p.Met1019Val (NM_001271519.2); c.2974A>G, p.Met992Val (NM_001322829.2, NM_001322836.2); c.3067A>G, p.Met1023Val (NM_001322830.2); c.2965A>G, p.Met989Val (NM_001322832.2, NM_001410940.1, NM_002247.4); c.3058A>G, p.Met1020Val (NM_001322835.2, NM_001322837.2); and 1 more; short protein forms M1019V, M989V, M1020V, M1030V, M1047V, M1023V, M838V, M939V.
Identifiers: ClinVar variation 2125254 (VCV002125254.4), dbSNP rs2548849323, ClinGen allele CA377403725.